The following is an entry in ClinVar:

ClinVar aggregate classification (germline): Pathogenic (1 of 4 stars; one submission).

Conditions:
Isolated microphthalmia 2. Identifiers: Orphanet 2542, MedGen C1864720, MONDO:0012409, OMIM 610093.

Submission:

Labcorp Genetics (formerly Invitae), Labcorp
Classification: Pathogenic for Isolated microphthalmia 2. Last evaluated: 2023-09-03. Review status: criteria provided, single submitter. Criteria: Invitae Variant Classification Sherloc (09022015). Collection method: clinical testing. Allele origin: germline.
Comment: For these reasons, this variant has been classified as Pathogenic. ClinVar contains an entry for this variant (Variation ID: 1387187). This variant has not been reported in the literature in individuals affected with VSX2-related conditions. This variant is not present in population databases (gnomAD no frequency). This sequence change creates a premature translational stop signal (p.Gly75Alafs*66) in the VSX2 gene. It is expected to result in an absent or disrupted protein product. Loss-of-function variants in VSX2 are known to be pathogenic (PMID: 20414678).

Literature cited by the submitters: PubMed 20414678.

NM_182894.3(VSX2):c.224del (p.Gly75fs)

Gene: VSX2 (visual system homeobox 2; plus strand). Cytogenetic location: 14q24.3.
Variant type: Deletion.
Coding change: c.224del on transcript NM_182894.3 (MANE Select); coding-DNA position 224, one base deleted (G; older notation c.224delG).
Protein change: p.Gly75fs; shifts the reading frame from glycine 75.
Molecular consequence: frameshift variant.
Genome position (GRCh38, 1-based): chr14:74,239,785, G deleted; the last of 2 consecutive G bases (chr14:74,239,784-74,239,785); deleting either gives the same sequence. VCF-style (leftmost placement, unchanged base first): chr14-74239783-CG-C. GRCh37 (hg19) VCF-style: chr14-74706486-CG-C.
Other names: short protein forms G75fs.
Identifiers: ClinVar variation 1387187 (VCV001387187.6), dbSNP rs2139628604, ClinGen allele CA2573150166.